The following is an entry in ClinVar:

NM_001267550.2(TTN):c.94664G>A (p.Arg31555His)

Genes: TTN (titin; minus strand), TTN-AS1 (TTN antisense RNA 1; plus strand). Cytogenetic location: 2q31.2.
Variant type: single nucleotide variant.
Coding change: c.94664G>A on transcript NM_001267550.2 (MANE Select); coding-DNA position 94664, G replaced by A.
Protein change: p.Arg31555His; replaces arginine 31555 with histidine.
Molecular consequence: missense variant.
Genome position (GRCh38, 1-based): chr2:178,546,764, C>T on the plus strand (G>A on the coding strand, the complement: TTN is on the minus strand). VCF-style: chr2-178546764-C-T. GRCh37 (hg19) VCF-style: chr2-179411491-C-T.
Other names: c.94664G>A (NM_001267550.1); c.89741G>A, p.Arg29914His (NM_001256850.1); c.67469G>A, p.Arg22490His (NM_003319.4); c.67844G>A, p.Arg22615His (NM_133432.3); c.68045G>A, p.Arg22682His (NM_133437.4); c.86960G>A, p.Arg28987His (NM_133378.4); short protein forms R28987H, R31555H, R22615H, R22682H, R29914H, R22490H.
Identifiers: ClinVar variation 165717 (VCV000165717.17), dbSNP rs727503545, ClinGen allele CA178427.

ClinVar aggregate classification (germline): Conflicting classifications of pathogenicity. Review status: criteria provided, conflicting classifications (1 of 4 stars). 7 submissions from 7 submitters: Uncertain significance (6); Likely benign (1). Last evaluated 2025-09-27.

Conditions:
TTN-related disorder. Also called: TTN-related condition; TTN-related disease; TTN-related disorders.
Dilated cardiomyopathy 1G (CMD1G). Identifiers: Orphanet 154, MedGen C1858763, MONDO:0011400, OMIM 604145.
Autosomal recessive limb-girdle muscular dystrophy type 2J (LGMDR10). Also called: Limb-girdle muscular dystrophy, type 2J; MUSCULAR DYSTROPHY, LIMB-GIRDLE, AUTOSOMAL RECESSIVE 10. Identifiers: Orphanet 140922, MedGen C1837342, MONDO:0012127, OMIM 608807.

Allele frequency attached by ClinVar (database versions not stated): TOPMed 0.00002; ExAC 0.00004; gnomAD 0.00004; gnomAD exomes 0.00007.
gnomAD v4.1: 37 of 1,613,608 alleles (0.0023%); highest among the groups gnomAD compares: Admixed American, 0.042%; no homozygotes.

Submissions (7):

PreventionGenetics, part of Exact Sciences
Classification: Uncertain significance for TTN-related condition. Last evaluated: 2025-09-27. Review status: criteria provided, single submitter. Criteria: ACMG Guidelines, 2015. Collection method: clinical testing. Allele origin: germline.
Comment: The TTN c.94664G>A variant is predicted to result in the amino acid substitution p.Arg31555His. To our knowledge, this variant has not been reported in the literature. This variant is reported in 0.037% of alleles in individuals of Latino descent in gnomAD. At this time, the clinical significance of this variant is uncertain due to the absence of conclusive functional and genetic evidence.

Revvity Omics, Revvity
Classification: Uncertain significance. Last evaluated: 2023-11-03. Review status: criteria provided, single submitter. Criteria: ACMG Guidelines, 2015. Collection method: clinical testing. Allele origin: germline.

GeneDx
Classification: Likely benign. Last evaluated: 2021-03-24. Review status: criteria provided, single submitter. Criteria: GeneDx Variant Classification Process June 2021. Collection method: clinical testing. Allele origin: germline. Affected: yes.

Athena Diagnostics
Classification: Uncertain significance. Last evaluated: 2020-12-14. Review status: criteria provided, single submitter. Criteria: Athena Diagnostics criteria. Collection method: clinical testing. Allele origin: unknown.

Eurofins Ntd Llc (ga)
Classification: Uncertain significance. Last evaluated: 2017-08-22. Review status: criteria provided, single submitter. Criteria: EGL Classification Definitions 2015. Collection method: clinical testing. Allele origin: germline. Observed: 2 variant alleles, 2 heterozygotes.

Labcorp Genetics (formerly Invitae), Labcorp
Classification: Uncertain significance for Dilated cardiomyopathy 1G; Autosomal recessive limb-girdle muscular dystrophy type 2J. Last evaluated: 2016-12-25. Review status: criteria provided, single submitter. Criteria: Invitae Variant Classification Sherloc (09022015). Collection method: clinical testing. Allele origin: germline.

Laboratory for Molecular Medicine, Mass General Brigham Personalized Medicine
Classification: Uncertain significance. Last evaluated: 2014-04-04. Review status: criteria provided, single submitter. Criteria: LMM Criteria. Collection method: clinical testing. Allele origin: germline. Observed: 3 variant alleles.
Comment: The Arg28987His variant in TTN has not been previously reported in individuals w ith cardiomyopathy or in large population studies. Computational prediction too ls and conservation analyses do not provide strong support for or against an imp act to the protein. In summary, additional information is needed to fully assess the clinical significance of the Arg28987His variant.